The following is an entry in ClinVar:

NM_022489.4(INF2):c.1604AGG[1] (p.Glu536del)

Gene: INF2 (inverted formin 2; plus strand). Cytogenetic location: 14q32.33.
Variant type: Microsatellite.
Coding change: c.1604AGG[1] on transcript NM_022489.4 (MANE Select); one copy of the 3-base unit AGG starting at c.1604; the reference has two copies in a row; one copy, 3 bases deleted.
Protein change: p.Glu536del; deletes glutamic acid 536.
Molecular consequence: inframe deletion. On other transcripts: inframe indel (4).
Genome position (GRCh38, 1-based): chr14:104,707,874-104,707,876, AGG deleted; deleting any 3 consecutive bases within chr14:104,707,869-104,707,876 gives the same sequence; the position shown is the placement nearest the transcript's 3' end. VCF-style (leftmost placement, unchanged base first): chr14-104707868-TGGA-T. GRCh37 (hg19) VCF-style: chr14-105174205-TGGA-T.
Other names: c.1604AGG[1], p.Glu536del (NM_001031714.4); c.1604_1606AGG[1], p.Glu536del (NM_001426862.1, NM_001426863.1, NM_001426864.1 and 1 more transcripts); short protein forms E536del.
Identifiers: ClinVar variation 2948471 (VCV002948471.3), dbSNP rs2541922044, ClinGen allele CA2740097219.

ClinVar aggregate classification (germline): Uncertain significance (1 of 4 stars; one submission).

Conditions:
Focal segmental glomerulosclerosis 5 (FSGS5). Identifiers: Orphanet 656, MedGen C2750475, MONDO:0013191, OMIM 613237.
Charcot-Marie-Tooth disease dominant intermediate E. Also called: CHARCOT-MARIE-TOOTH NEUROPATHY WITH FOCAL SEGMENTAL GLOMERULONEPHRITIS. Identifiers: Orphanet 93114, MedGen C4302667, MONDO:0013758, OMIM 614455.

Submission:

Labcorp Genetics (formerly Invitae), Labcorp
Classification: Uncertain significance for Charcot-Marie-Tooth disease dominant intermediate E; Focal segmental glomerulosclerosis 5. Last evaluated: 2024-04-22. Review status: criteria provided, single submitter. Criteria: Invitae Variant Classification Sherloc (09022015). Collection method: clinical testing. Allele origin: germline.
Comment: This variant, c.1607_1609del, results in the deletion of 1 amino acid(s) of the INF2 protein (p.Glu536del), but otherwise preserves the integrity of the reading frame. This variant is not present in population databases (gnomAD no frequency). This variant has not been reported in the literature in individuals affected with INF2-related conditions. Experimental studies and prediction algorithms are not available or were not evaluated, and the functional significance of this variant is currently unknown. In summary, the available evidence is currently insufficient to determine the role of this variant in disease. Therefore, it has been classified as a Variant of Uncertain Significance.